The following is an entry in ClinVar:

NM_022455.5(NSD1):c.1133T>C (p.Val378Ala)

Gene: NSD1 (nuclear receptor binding SET domain protein 1; plus strand). Cytogenetic location: 5q35.3.
Variant type: single nucleotide variant.
Coding change: c.1133T>C on transcript NM_022455.5 (MANE Select); coding-DNA position 1133, T replaced by C.
Protein change: p.Val378Ala; replaces valine 378 with alanine.
Molecular consequence: missense variant.
Genome position (GRCh38, 1-based): chr5:177,204,189, T>C. VCF-style: chr5-177204189-T-C. GRCh37 (hg19) VCF-style: chr5-176631190-T-C.
Other names: c.260T>C, p.Val87Ala (NM_001365684.2, NM_001409306.1, NM_001409307.1 and 3 more transcripts); c.1133T>C, p.Val378Ala (NM_001409301.1, NM_001409302.1, NM_001409303.1); c.713T>C, p.Val238Ala (NM_001409304.1); c.380T>C, p.Val127Ala (NM_001409305.1); short protein forms V127A, V238A, V378A, V87A.
Identifiers: ClinVar variation 3061669 (VCV003061669.2), dbSNP rs2480411681, ClinGen allele CA362304735.
Genomic context (GRCh38, chr5:177,204,189, plus strand): 5'-GGAGGCCCTATCGGCAGTACTACGTGGAGGCTTTTGGAGATCCTTCTGAGAGAGCCTGGG[T>C]GGCTGGAAAAGCAATCGTCATGTTTGAAGGCAGACATCAATTCGAAGAGCTACCTGTCCT-3'
Protein context (NP_071900.2, residues 368-388): AFGDPSERAW[Val378Ala]AGKAIVMFEG

ClinVar aggregate classification (germline): Uncertain significance (0 of 4 stars; one submission).

Conditions:
NSD1-related disorder. Also called: NSD1-related condition.

Submission:

PreventionGenetics, part of Exact Sciences
Classification: Uncertain significance for NSD1-related condition. Last evaluated: 2024-01-03. Review status: no assertion criteria provided. Collection method: clinical testing. Allele origin: germline.
Comment: The NSD1 c.1133T>C variant is predicted to result in the amino acid substitution p.Val378Ala. To our knowledge, this variant has not been reported in the literature or in a large population database, indicating this variant is rare. At this time, the clinical significance of this variant is uncertain due to the absence of conclusive functional and genetic evidence.